The following is an entry in ClinVar:

NM_023110.3(FGFR1):c.709G>A (p.Gly237Ser)

Gene: FGFR1 (fibroblast growth factor receptor 1; minus strand). Cytogenetic location: 8p11.23.
Variant type: single nucleotide variant.
Coding change: c.709G>A on transcript NM_023110.3 (MANE Select); coding-DNA position 709, G replaced by A.
Protein change: p.Gly237Ser; replaces glycine 237 with serine.
Molecular consequence: missense variant.
Genome position (GRCh38, 1-based): chr8:38,426,158, C>T on the plus strand (G>A on the coding strand, the complement: FGFR1 is on the minus strand). VCF-style: chr8-38426158-C-T. GRCh37 (hg19) VCF-style: chr8-38283676-C-T.
Other names: c.709G>A, p.Gly237Ser (NM_001174063.2); c.685G>A, p.Gly229Ser (NM_001174064.2); c.703G>A, p.Gly235Ser (NM_001174065.2, NM_001354367.2, NM_001354369.2 and 1 more transcripts); c.442G>A, p.Gly148Ser (NM_001174066.2, NM_023105.3); c.802G>A, p.Gly268Ser (NM_001174067.2); c.436G>A, p.Gly146Ser (NM_001354368.2, NM_001354370.2, NM_023106.3); short protein forms G237S, G146S, G148S, G235S, G229S, G268S.
Identifiers: ClinVar variation 16291 (VCV000016291.4), dbSNP rs121909635, ClinGen allele CA257478.

ClinVar aggregate classification (germline): Likely pathogenic. Review status: criteria provided, multiple submitters, no conflicts (2 of 4 stars). 4 submissions from 4 submitters: Likely pathogenic (3). 1 of the submissions does not count toward it. Last evaluated 2026-03-30.

Conditions:
FGFR1-related disorder. Also called: FGFR1-related condition; FGFR1-related disorders. Identifiers: MedGen CN380097.
Hypogonadotropic hypogonadism 2 with or without anosmia (HH2). Also called: HYPOGONADOTROPIC HYPOGONADISM 2 WITHOUT ANOSMIA; FGFR1-Related GnRH Deficiency (Kallmann Syndrome 2); HYPOGONADOTROPIC HYPOGONADISM 2 WITH OR WITHOUT ANOSMIA, SUSCEPTIBILITY TO; HYPOGONADOTROPIC HYPOGONADISM 2 WITHOUT ANOSMIA, SUSCEPTIBILITY TO. Identifiers: Orphanet 478, MedGen C1563720, MONDO:0007844, OMIM 147950. Disease mechanism: loss of function.

Submissions (4):

PreventionGenetics, part of Exact Sciences
Classification: Likely pathogenic for FGFR1-related condition. Last evaluated: 2026-03-30. Review status: criteria provided, single submitter. Criteria: ACMG Guidelines, 2015. Collection method: clinical testing. Allele origin: germline.
Comment: The FGFR1 c.709G>A variant is predicted to result in the amino acid substitution p.Gly237Ser. This variant has been reported in individuals with normosmic hypogonadotropic hypogonadism or Kallmann syndrome (Pitteloud et al 2006. PubMed ID: 16606836; Miraoui et al 2013. PubMed ID: 23643382; Men et al 2019. PubMed ID: 31748124). This variant has not been reported in a large population database, indicating this variant is rare. This variant is located in the extracellular Ig-like domain. Functional studies showed that this variant inhibits proper folding of D2 of the FGFR1 protein and likely leads to the loss of cell-surface expression of FGFR1 (Pitteloud et al 2006. PubMed ID: 16606836; Rajith et al. 2013. PubMed ID: 23329143). In summary, this variant is interpreted as likely pathogenic.

Reproductive Endocrine Unit, Massachusetts General Hospital
Classification: Likely pathogenic for Hypogonadotropic hypogonadism 2 with or without anosmia. Last evaluated: 2023-05-04. Review status: criteria provided, single submitter. Criteria: ACMG Guidelines, 2015. Collection method: research. Allele origin: unknown. Affected: yes. Observed: 1 variant allele.

Women's Health and Genetics/Laboratory Corporation of America, LabCorp
Classification: Likely pathogenic for FGFR1-Related Disorders. Last evaluated: 2022-06-22. Review status: criteria provided, single submitter. Criteria: LabCorp Variant Classification Summary - May 2015. Collection method: clinical testing. Allele origin: germline.
Comment: Variant summary: FGFR1 c.709G>A (p.Gly237Ser) results in a non-conservative amino acid change located in the Immunoglobulin subtype 2 domain (IPR003598) of the encoded protein sequence. Four of five in-silico tools predict a damaging effect of the variant on protein function. The variant was absent in 250914 control chromosomes (gnomAD and publication data). c.709G>A has been reported in the literature in individuals affected with idiopathic hypogonadotropic hypogonadism as well as in two unaffected individuals (Pitteloud_2006, Shaw_2011, Wang_2014, Wang_2017, Men_2019). These data indicate that the variant is likely to be associated with disease. At least one functional study reports this variant results in inhibiting proper folding of the FGFR1 and likely leading to the loss of cell-surface expression of FGFR1 (Pitteloud_2006). Additionally, another missense variant at the same codon, G237D, has been found in patients with Kallmann syndrome and segregated with the disease in one family (PMID: 16764984), indicating this residue is critical for FGFR1 protein function. No clinical diagnostic laboratories have submitted clinical-significance assessments for this variant to ClinVar after 2014. Based on the evidence outlined above, the variant was classified as likely pathogenic.

OMIM
Classification: risk factor for HYPOGONADOTROPIC HYPOGONADISM 2 WITH OR WITHOUT ANOSMIA, SUSCEPTIBILITY TO. Last evaluated: 2006-04-18. Review status: no assertion criteria provided. Collection method: literature only. Allele origin: germline. Not counted in ClinVar's aggregate classification.

Literature cited by the submitters: PubMed 23533228 (cited by Women's Health and Genetics/Laboratory Corporation of America, LabCorp); PubMed 31748124 (cited by Women's Health and Genetics/Laboratory Corporation of America, LabCorp); PubMed 16764984 (cited by Women's Health and Genetics/Laboratory Corporation of America, LabCorp); PubMed 16606836 (cited by Women's Health and Genetics/Laboratory Corporation of America, LabCorp and OMIM); PubMed 23329143 (cited by Women's Health and Genetics/Laboratory Corporation of America, LabCorp); PubMed 21209029 (cited by Women's Health and Genetics/Laboratory Corporation of America, LabCorp); PubMed 28833369 (cited by Women's Health and Genetics/Laboratory Corporation of America, LabCorp); PubMed 25501157 (cited by Women's Health and Genetics/Laboratory Corporation of America, LabCorp); PubMed 25636053 (cited by Women's Health and Genetics/Laboratory Corporation of America, LabCorp).